The following is an entry in ClinVar:

ClinVar aggregate classification (germline): Likely pathogenic (1 of 4 stars; one submission).

Conditions:
Leber congenital amaurosis 19. Identifiers: MedGen C5193139, MONDO:0032794, OMIM 618513.

Submission:

First Genomix Gene Laboratory, Genetic Diagnostics Department
Classification: Likely pathogenic for Leber congenital amaurosis 19. Last evaluated: 2025-08-04. Review status: criteria provided, single submitter. Criteria: ACMG Guidelines, 2015. Collection method: clinical testing. Allele origin: germline. Inheritance: Autosomal recessive inheritance. Affected: no. Observed: 1 variant allele.

NM_001346022.3(USP45):c.2105_2106del (p.His702fs)

Gene: USP45 (ubiquitin specific peptidase 45; minus strand). Cytogenetic location: 6q16.2.
Variant type: Deletion.
Coding change: c.2105_2106del on transcript NM_001346022.3 (MANE Select); coding-DNA positions 2105 to 2106, 2 bases deleted (AT; older notation c.2105_2106delAT).
Protein change: p.His702fs; shifts the reading frame from histidine 702.
Molecular consequence: frameshift variant. On other transcripts: non-coding transcript variant (2).
Genome position (GRCh38, 1-based): chr6:99,439,823-99,439,824, AT deleted on the plus strand (AT on the coding strand, the reverse complement: USP45 is on the minus strand). VCF-style (leftmost placement, unchanged base first): chr6-99439822-CAT-C. GRCh37 (hg19) VCF-style: chr6-99887698-CAT-C.
Other names: c.2105_2106del, p.His702fs (NM_001080481.3, NM_001346021.3, NM_001346026.3); c.2102_2103del, p.His701fs (NM_001346023.3); c.1931_1932del, p.His644fs (NM_001346024.3); c.1928_1929del, p.His643fs (NM_001346025.3); c.1025_1026del, p.His342fs (NM_001346027.3, NM_001346028.3, NM_001346029.3); c.2105_2106delAT (NM_001080481.3); short protein forms H342fs, H643fs, H644fs, H701fs, H702fs.
Identifiers: ClinVar variation 4850583 (VCV004850583.1).